The following is an entry in ClinVar:

ClinVar aggregate classification (germline): Uncertain significance (1 of 4 stars; one submission).

Submission:

Labcorp Genetics (formerly Invitae), Labcorp
Classification: Uncertain significance. Last evaluated: 2022-04-23. Review status: criteria provided, single submitter. Criteria: Invitae Variant Classification Sherloc (09022015). Collection method: clinical testing. Allele origin: germline.
Comment: In summary, the available evidence is currently insufficient to determine the role of this variant in disease. Therefore, it has been classified as a Variant of Uncertain Significance. Experimental studies and prediction algorithms are not available or were not evaluated, and the functional significance of this variant is currently unknown. This variant has not been reported in the literature in individuals affected with CYP24A1-related conditions. This variant is not present in population databases (gnomAD no frequency). This variant, c.509_514del, results in the deletion of 2 amino acid(s) of the CYP24A1 protein (p.Gly170_Glu171del), but otherwise preserves the integrity of the reading frame.

NM_000782.5(CYP24A1):c.509_514del (p.Gly170_Glu171del)

Gene: CYP24A1 (cytochrome P450 family 24 subfamily A member 1; minus strand). Cytogenetic location: 20q13.2.
Variant type: Deletion.
Coding change: c.509_514del on transcript NM_000782.5 (MANE Select); coding-DNA positions 509 to 514, 6 bases deleted (GGGAAG; older notation c.509_514delGGGAAG).
Protein change: p.Gly170_Glu171del.
Molecular consequence: inframe deletion.
Genome position (GRCh38, 1-based): chr20:54,171,606-54,171,611, CTTCCC deleted on the plus strand (GGGAAG on the coding strand, the reverse complement: CYP24A1 is on the minus strand); deleting any 6 consecutive bases within chr20:54,171,606-54,171,613 gives the same sequence; the c. name uses the placement nearest the transcript's 3' end. VCF-style (leftmost placement, unchanged base first): chr20-54171605-ACTTCCC-A. GRCh37 (hg19) VCF-style: chr20-52788144-ACTTCCC-A.
Other names: c.509_514del, p.Gly170_Glu171del (NM_001128915.2).
Identifiers: ClinVar variation 2129787 (VCV002129787.4), dbSNP rs2516395995, ClinGen allele CA2580098289.